The following is an entry in ClinVar:

NM_006059.4(LAMC3):c.2981G>A (p.Cys994Tyr)

Gene: LAMC3 (laminin subunit gamma 3; plus strand). Cytogenetic location: 9q34.12.
Variant type: single nucleotide variant.
Coding change: c.2981G>A on transcript NM_006059.4 (MANE Select); coding-DNA position 2981, G replaced by A.
Protein change: p.Cys994Tyr; replaces cysteine 994 with tyrosine.
Molecular consequence: missense variant.
Genome position (GRCh38, 1-based): chr9:131,069,762, G>A. VCF-style: chr9-131069762-G-A. GRCh37 (hg19) VCF-style: chr9-133945149-G-A.
Other names: short protein forms C994Y.
Identifiers: ClinVar variation 3069054 (VCV003069054.2), dbSNP rs1339141035, ClinGen allele CA375255565.

ClinVar aggregate classification (germline): Uncertain significance (1 of 4 stars; one submission).

Allele frequency attached by ClinVar (database versions not stated): TOPMed below 0.00001; gnomAD 0.00001; gnomAD exomes 0.00001.
gnomAD v4.1: 12 of 1,597,574 alleles (0.00075%); highest among the groups gnomAD compares: African/African-American, 0.0013%; no homozygotes.

Submission:

Women's Health and Genetics/Laboratory Corporation of America, LabCorp
Classification: Uncertain significance. Last evaluated: 2024-02-07. Review status: criteria provided, single submitter. Criteria: LabCorp Variant Classification Summary - May 2015. Collection method: clinical testing. Allele origin: germline.
Comment: Variant summary: LAMC3 c.2981G>A (p.Cys994Tyr) results in a non-conservative amino acid change located in the EGF-like domain (IPR000742) of the encoded protein sequence. Five of five in-silico tools predict a damaging effect of the variant on protein function. The variant was absent in 218628 control chromosomes. The available data on variant occurrences in the general population are insufficient to allow any conclusion about variant significance. To our knowledge, no occurrence of c.2981G>A in individuals affected with Occipital Pachygyria And Polymicrogyria and no experimental evidence demonstrating its impact on protein function have been reported. No submitters have cited clinical-significance assessments for this variant to ClinVar. Based on the evidence outlined above, the variant was classified as uncertain significance.